The following is an entry in ClinVar:

NM_001371928.1(AHDC1):c.2110_2116del (p.Val704fs)

Gene: AHDC1 (AT-hook DNA binding motif containing 1; minus strand). Cytogenetic location: 1p36.11.
Variant type: Deletion.
Coding change: c.2110_2116del on transcript NM_001371928.1 (MANE Select); coding-DNA positions 2110 to 2116, 7 bases deleted (GTGGTGG; older notation c.2110_2116delGTGGTGG).
Protein change: p.Val704fs; shifts the reading frame from valine 704.
Molecular consequence: frameshift variant.
Genome position (GRCh38, 1-based): chr1:27,550,000-27,550,006, CCACCAC deleted on the plus strand (GTGGTGG on the coding strand, the reverse complement: AHDC1 is on the minus strand); deleting any 7 consecutive bases within chr1:27,550,000-27,550,007 gives the same sequence; the c. name uses the placement nearest the transcript's 3' end. VCF-style (leftmost placement, unchanged base first): chr1-27549999-GCCACCAC-G. GRCh37 (hg19) VCF-style: chr1-27876510-GCCACCAC-G.
Other names: NP_001025053.1:p.(Val704ProfsTer26); c.2110_2116del, p.Val704fs (NM_001029882.3); short protein forms V704fs.
Identifiers: ClinVar variation 4820040 (VCV004820040.1).
Genomic context (GRCh38, chr1:27,549,999, plus strand): 5'-CGTTTGCGTGGGTGCCCCAACTCAGTAAGGCCCGGGCCCCCGACCCCAGCGGCTGCCACG[GCCACCAC>G]CTTCTTTTTCTTGCCGATGCCCTCAAAGAAGTCACTGAAGGAGCATCGGGCTGACTTGGC-3'

ClinVar aggregate classification (germline): Likely pathogenic (1 of 4 stars; one submission).

Conditions:
AHDC1-related intellectual disability - obstructive sleep apnea - mild dysmorphism syndrome. Also called: Xia-Gibbs syndrome. Identifiers: Orphanet 412069, MedGen C4014419, MONDO:0014358, OMIM 615829.

Submission:

Umrani?ye Training and Research Hospital
Classification: Likely pathogenic for AHDC1-related intellectual disability - obstructive sleep apnea - mild dysmorphism syndrome. Last evaluated: 2026-03-23. Review status: criteria provided, single submitter. Criteria: ACMG Guidelines, 2015. Collection method: provider interpretation. Allele origin: de novo. Inheritance: Autosomal dominant inheritance. Affected: yes. Observed: 1 variant allele.
Comment: PVS1,PM2,PM6,PP5

Literature cited by the submitters: PubMed 42136190.